The following is an entry in ClinVar:

NM_000429.3(MAT1A):c.740G>A (p.Ser247Asn)

Gene: MAT1A (methionine adenosyltransferase 1A; minus strand). Cytogenetic location: 10q22.3.
Variant type: single nucleotide variant.
Coding change: c.740G>A on transcript NM_000429.3 (MANE Select); coding-DNA position 740, G replaced by A.
Protein change: p.Ser247Asn; replaces serine 247 with asparagine.
Molecular consequence: missense variant.
Genome position (GRCh38, 1-based): chr10:80,276,404, C>T on the plus strand (G>A on the coding strand, the complement: MAT1A is on the minus strand). VCF-style: chr10-80276404-C-T. GRCh37 (hg19) VCF-style: chr10-82036160-C-T.
Other names: short protein forms S247N.
Identifiers: ClinVar variation 430021 (VCV000430021.15), dbSNP rs1131691739, ClinGen allele CA377361682.
Genomic context (GRCh38, chr10:80,276,404, plus strand): 5'-AACCAGGGCTTCGTTCAGAGACAAGAATGCACCTGGGGACCTCCGATGACAAACCGCCCA[C>T]TGGGCTGCAGGTGGTAGACGGTGTCTTCGTCCAGGTACTTGGCCGGCACCACGGCCCTGA-3'
Protein context (NP_000420.1, residues 237-257): DEDTVYHLQP[Ser247Asn]GRFVIGGPQG

ClinVar aggregate classification (germline): Conflicting classifications of pathogenicity. Review status: criteria provided, conflicting classifications (1 of 4 stars). 3 submissions from 3 submitters: Likely pathogenic (1); Uncertain significance (2). Last evaluated 2026-02-04.

Conditions:
Hepatic methionine adenosyltransferase deficiency. Also called: MAT I/III DEFICIENCY; Isolated Persistent Hypermethioninemia; Methionine adenosyltransferase deficiency; Deficiency of methionine adenosyltransferase. Identifiers: Orphanet 168598, MedGen C0268621, MeSH C564683, MONDO:0009607, OMIM 250850.
Paediatric disorders.
Inborn errors of metabolism. Also called: Inborn error of metabolism. Identifiers: Orphanet 68367, MedGen C0025521, MONDO:0019052.

Allele frequency attached by ClinVar (database versions not stated): gnomAD exomes 0.00001; gnomAD 0.00003 and below 0.00001; 1000 Genomes Project 30x 0.00031.
gnomAD v4.1: 8 of 1,614,196 alleles (0.0005%); highest among the groups gnomAD compares: South Asian, 0.0088%; 1 homozygote.

Submissions (3):

North West Genomic Laboratory Hub, Manchester University NHS Foundation Trust
Classification: Likely pathogenic for Paediatric disorders; Inborn error of metabolism. Last evaluated: 2026-02-04. Review status: criteria provided, single submitter. Criteria: ACGS Best Practice Guidelines for Variant Classification in Rare Disease 2024. Collection method: clinical testing. Allele origin: germline. Affected: yes.
Comment: PP3_Supp PM1_Supp PP4_Mod PM3_Mod PM2_Mod

Labcorp Genetics (formerly Invitae), Labcorp
Classification: Uncertain significance for Hepatic methionine adenosyltransferase deficiency. Last evaluated: 2025-08-31. Review status: criteria provided, single submitter. Criteria: Invitae Variant Classification Sherloc (09022015). Collection method: clinical testing. Allele origin: germline.
Comment: This sequence change replaces serine, which is neutral and polar, with asparagine, which is neutral and polar, at codon 247 of the MAT1A protein (p.Ser247Asn). This variant is not present in population databases (gnomAD no frequency). This missense change has been observed in individual(s) with autosomal recessive hypermethioninemia and/or clinical features of autosomal dominant hypermethioninemia (PMID: 25638462; internal data). ClinVar contains an entry for this variant (Variation ID: 430021). Invitae Evidence Modeling of protein sequence and biophysical properties (such as structural, functional, and spatial information, amino acid conservation, physicochemical variation, residue mobility, and thermodynamic stability) indicates that this missense variant is not expected to disrupt MAT1A protein function with a negative predictive value of 80%. This variant disrupts the p.Ser247 amino acid residue in MAT1A. Other variant(s) that disrupt this residue have been observed in individuals with MAT1A-related conditions (PMID: 24231718), which suggests that this may be a clinically significant amino acid residue. In summary, the available evidence is currently insufficient to determine the role of this variant in disease. Therefore, it has been classified as a Variant of Uncertain Significance.

GeneDx
Classification: Uncertain significance. Last evaluated: 2022-10-06. Review status: criteria provided, single submitter. Criteria: GeneDx Variant Classification Process June 2021. Collection method: clinical testing. Allele origin: germline. Affected: yes.
Comment: Identified in two probands from cohorts of patients with inborn errors of metabolism, however, familial segregation information and specific clinical information were not included (Marco et al, 2015 and Adhikari et al., 2020); In silico analysis supports that this missense variant has a deleterious effect on protein structure/function; Not observed at significant frequency in large population cohorts (gnomAD); This variant is associated with the following publications: (PMID: 32778825, 25638462)

Literature cited by the submitters: PubMed 25638462 (cited by Labcorp Genetics (formerly Invitae), Labcorp); PubMed 24231718 (cited by Labcorp Genetics (formerly Invitae), Labcorp).